The following is an entry in ClinVar:

ClinVar aggregate classification (germline): Uncertain significance. Review status: criteria provided, multiple submitters, no conflicts (2 of 4 stars). 2 submissions from 2 submitters: Uncertain significance (2). Last evaluated 2023-01-05.

Submissions (2):

Blueprint Genetics
Classification: Uncertain significance. Last evaluated: 2023-01-05. Review status: criteria provided, single submitter. Criteria: ACMG Guidelines, 2015. Collection method: clinical testing. Allele origin: germline.

Labcorp Genetics (formerly Invitae), Labcorp
Classification: Uncertain significance. Last evaluated: 2022-06-10. Review status: criteria provided, single submitter. Criteria: Invitae Variant Classification Sherloc (09022015). Collection method: clinical testing. Allele origin: germline.
Comment: This sequence change falls in intron 16 of the TRAF3IP1 gene. It does not directly change the encoded amino acid sequence of the TRAF3IP1 protein. It affects a nucleotide within the consensus splice site. This variant is not present in population databases (gnomAD no frequency). This variant has not been reported in the literature in individuals affected with TRAF3IP1-related conditions. Variants that disrupt the consensus splice site are a relatively common cause of aberrant splicing (PMID: 17576681, 9536098). Algorithms developed to predict the effect of sequence changes on RNA splicing suggest that this variant may create or strengthen a splice site. In summary, the available evidence is currently insufficient to determine the role of this variant in disease. Therefore, it has been classified as a Variant of Uncertain Significance.

Literature cited by the submitters: PubMed 17576681 (cited by Labcorp Genetics (formerly Invitae), Labcorp); PubMed 9536098 (cited by Labcorp Genetics (formerly Invitae), Labcorp).

NM_015650.4(IFT54):c.1910+3G>T

Gene: IFT54 (intraflagellar transport 54; plus strand). Cytogenetic location: 2q37.3.
Variant type: single nucleotide variant.
Coding change: c.1910+3G>T on transcript NM_015650.4 (MANE Select); 3 bases into the intron after coding-DNA position 1910, G replaced by T.
Molecular consequence: intron variant.
Genome position (GRCh38, 1-based): chr2:238,397,682, G>T. VCF-style: chr2-238397682-G-T. GRCh37 (hg19) VCF-style: chr2-239306323-G-T.
Other names: c.1712+3G>T (NM_001139490.1).
Identifiers: ClinVar variation 1919882 (VCV001919882.3), dbSNP rs778373034, ClinGen allele CA2198603.